The following is an entry in ClinVar:

NM_006160.4(NEUROD2):c.484_485delinsGA (p.Thr162Glu)

Gene: NEUROD2 (neuronal differentiation 2; minus strand). Cytogenetic location: 17q12.
Variant type: Indel.
Coding change: c.484_485delinsGA on transcript NM_006160.4 (MANE Select); coding-DNA positions 484 to 485, AC replaced by GA.
Protein change: p.Thr162Glu; replaces threonine 162 with glutamic acid.
Molecular consequence: missense variant.
Genome position (GRCh38, 1-based): chr17:39,606,115-39,606,116, GT replaced by TC on the plus strand (AC replaced by GA on the coding strand, the reverse complement: NEUROD2 is on the minus strand). VCF-style: chr17-39606115-GT-TC. GRCh37 (hg19) VCF-style: chr17-37762368-GT-TC.
Other names: short protein forms T162E.
Identifiers: ClinVar variation 3900058 (VCV003900058.1).

ClinVar aggregate classification (germline): Uncertain significance (1 of 4 stars; one submission).

Submission:

GeneDx
Classification: Uncertain significance. Last evaluated: 2024-11-20. Review status: criteria provided, single submitter. Criteria: GeneDx Variant Classification Process June 2021. Collection method: clinical testing. Allele origin: germline. Affected: yes.
Comment: Not observed at significant frequency in large population cohorts (gnomAD); In silico analysis supports a deleterious effect on protein structure/function; Has not been previously published as pathogenic or benign to our knowledge